The following is an entry in ClinVar:

NM_001365536.1(SCN9A):c.3563T>C (p.Ile1188Thr)

Genes: SCN1A-AS1 (SCN1A and SCN9A antisense RNA 1; plus strand), SCN9A (sodium voltage-gated channel alpha subunit 9; minus strand). Cytogenetic location: 2q24.3.
Variant type: single nucleotide variant.
Coding change: c.3563T>C on transcript NM_001365536.1 (MANE Select); coding-DNA position 3563, T replaced by C.
Protein change: p.Ile1188Thr; replaces isoleucine 1188 with threonine.
Molecular consequence: missense variant.
Genome position (GRCh38, 1-based): chr2:166,242,566, A>G on the plus strand (T>C on the coding strand, the complement: SCN9A is on the minus strand). VCF-style: chr2-166242566-A-G. GRCh37 (hg19) VCF-style: chr2-167099076-A-G.
Other names: c.3530T>C, p.Ile1177Thr (NM_002977.4); short protein forms I1177T, I1188T.
Identifiers: ClinVar variation 1967687 (VCV001967687.5), dbSNP rs1392030968, ClinGen allele CA349070289.

ClinVar aggregate classification (germline): Uncertain significance (1 of 4 stars; one submission).

Conditions:
Generalized epilepsy with febrile seizures plus, type 7 (GEFSP7). Also called: GEFS+, TYPE 7. Identifiers: Orphanet 36387, MedGen C2751778, MONDO:0013470, OMIM 613863.
Neuropathy, hereditary sensory and autonomic, type 2A (HSAN2A). Also called: ACROOSTEOLYSIS, GIACCAI TYPE; ACROOSTEOLYSIS, NEUROGENIC; WNK1-Related HSAN2 (HSAN2A); MORVAN DISEASE; NEUROPATHY, CONGENITAL SENSORY; NEUROPATHY, HEREDITARY SENSORY RADICULAR, AUTOSOMAL RECESSIVE. Identifiers: Orphanet 970, MedGen C2752089, MONDO:0024309, OMIM 201300.

Allele frequency attached by ClinVar (database versions not stated): gnomAD 0.00001; gnomAD exomes 0.00001; TOPMed 0.00001.
gnomAD v4.1: 8 of 1,583,412 alleles (0.00051%); highest among the groups gnomAD compares: South Asian, 0.0023%; no homozygotes.

Submission:

Labcorp Genetics (formerly Invitae), Labcorp
Classification: Uncertain significance for Neuropathy, hereditary sensory and autonomic, type 2A; Generalized epilepsy with febrile seizures plus, type 7. Last evaluated: 2024-11-11. Review status: criteria provided, single submitter. Criteria: Invitae Variant Classification Sherloc (09022015). Collection method: clinical testing. Allele origin: germline.
Comment: This sequence change replaces isoleucine, which is neutral and non-polar, with threonine, which is neutral and polar, at codon 1177 of the SCN9A protein (p.Ile1177Thr). The frequency data for this variant in the population databases is considered unreliable, as metrics indicate poor data quality at this position in the gnomAD database. This variant has not been reported in the literature in individuals affected with SCN9A-related conditions. ClinVar contains an entry for this variant (Variation ID: 1967687). Invitae Evidence Modeling of protein sequence and biophysical properties (such as structural, functional, and spatial information, amino acid conservation, physicochemical variation, residue mobility, and thermodynamic stability) indicates that this missense variant is not expected to disrupt SCN9A protein function with a negative predictive value of 80%. In summary, the available evidence is currently insufficient to determine the role of this variant in disease. Therefore, it has been classified as a Variant of Uncertain Significance.